The following is an entry in ClinVar:

ClinVar aggregate classification (germline): Uncertain significance (1 of 4 stars; one submission).

Conditions:
Lymphoproliferative syndrome 1 (LPFS1). Identifiers: Orphanet 238505, Orphanet 538963, MedGen C3552634, MONDO:0013081, OMIM 613011.

gnomAD v4.1: 1 of 1,613,634 alleles (0.000062%); highest among the groups gnomAD compares: Non-Finnish European, 0.000085%; no homozygotes.

Submissions (2):

Labcorp Genetics (formerly Invitae), Labcorp
Classification: Uncertain significance for Lymphoproliferative syndrome 1. Last evaluated: 2024-08-31. Review status: criteria provided, single submitter. Criteria: Invitae Variant Classification Sherloc (09022015). Collection method: clinical testing. Allele origin: germline.
Comment: This sequence change falls in intron 5 of the ITK gene. It does not directly change the encoded amino acid sequence of the ITK protein. It affects a nucleotide within the consensus splice site. This variant is not present in population databases (gnomAD no frequency). This variant has not been reported in the literature in individuals affected with ITK-related conditions. Variants that disrupt the consensus splice site are a relatively common cause of aberrant splicing (PMID: 17576681, 9536098). Algorithms developed to predict the effect of sequence changes on RNA splicing suggest that this variant is not likely to affect RNA splicing. In summary, the available evidence is currently insufficient to determine the role of this variant in disease. Therefore, it has been classified as a Variant of Uncertain Significance.

Dr. Peter K. Rogan Lab, Western University
No classification provided (evidence only). Condition: Familial cancer of breast. Review status: no classification provided. Collection method: in vitro. Allele origin: not applicable. Functional consequence: retained intron. Not counted in ClinVar's aggregate classification.

Literature cited by the submitters: PubMed 17576681 (cited by Labcorp Genetics (formerly Invitae), Labcorp); PubMed 9536098 (cited by Labcorp Genetics (formerly Invitae), Labcorp).

NM_005546.4(ITK):c.495+3G>A

Gene: ITK (IL2 inducible T cell kinase; plus strand). Cytogenetic location: 5q33.3.
Variant type: single nucleotide variant.
Coding change: c.495+3G>A on transcript NM_005546.4 (MANE Select); 3 bases into the intron after coding-DNA position 495, G replaced by A.
Molecular consequence: intron variant.
Genome position (GRCh38, 1-based): chr5:157,217,910, G>A. VCF-style: chr5-157217910-G-A. GRCh37 (hg19) VCF-style: chr5-156644920-G-A.
Identifiers: ClinVar variation 3662891 (VCV003662891.3).
Genomic context (GRCh38, chr5:157,217,910, plus strand): 5'-TGTTTTTCTCTTTTCAGCTTCAAAGAAGCCTCTTCCTCCTACTCCTGAAGACAACAGGGT[G>A]AGTGAGAGCGCTAGCTCCGGGTGCAGGTGGGCCCACAGGCTACCTGATTGGCATGTTCCT-3'